The following is an entry in ClinVar:

ClinVar aggregate classification (germline): Uncertain significance. Review status: criteria provided, multiple submitters, no conflicts (2 of 4 stars). 2 submissions from 2 submitters: Uncertain significance (2). Last evaluated 2026-01-05.

Conditions:
STRC-related disorder. Also called: STRC-related condition.
Inborn genetic diseases. Identifiers: MedGen C0950123, MeSH D030342.

Submissions (2):

PreventionGenetics, part of Exact Sciences
Classification: Uncertain significance for STRC-related condition. Last evaluated: 2026-01-05. Review status: criteria provided, single submitter. Criteria: ACMG Guidelines, 2015. Collection method: clinical testing. Allele origin: germline.
Comment: The STRC c.229G>A variant is predicted to result in the amino acid substitution p.Glu77Lys. To our knowledge, this variant has not been reported in the literature. This variant is reported in 0.051% of alleles in individuals of African descent in gnomAD, but this data may be inaccurate due to misalignment of NGS reads between the functional and pseudogene. At this time, the clinical significance of this variant is uncertain due to the absence of conclusive functional and genetic evidence.

Ambry Genetics
Classification: Uncertain significance for Inborn genetic diseases. Last evaluated: 2023-02-13. Review status: criteria provided, single submitter. Criteria: Ambry Variant Classification Scheme 2023. Collection method: clinical testing. Allele origin: germline.

NM_153700.2(STRC):c.229G>A (p.Glu77Lys)

Gene: STRC (stereocilin; minus strand). Cytogenetic location: 15q15.3.
Variant type: single nucleotide variant.
Coding change: c.229G>A on transcript NM_153700.2 (MANE Select); coding-DNA position 229, G replaced by A.
Protein change: p.Glu77Lys; replaces glutamic acid 77 with lysine.
Molecular consequence: missense variant.
Genome position (GRCh38, 1-based): chr15:43,618,192, C>T on the plus strand (G>A on the coding strand, the complement: STRC is on the minus strand). VCF-style: chr15-43618192-C-T. GRCh37 (hg19) VCF-style: chr15-43910390-C-T.
Other names: short protein forms E77K.
Identifiers: ClinVar variation 2468639 (VCV002468639.3), dbSNP rs1315104177, ClinGen allele CA392186589.
Genomic context (GRCh38, chr15:43,618,192, plus strand): 5'-GAAAATCATGGAGCCGCAGAGCAGGCGGCTGGAGAGGTGGGGGCTCTCCTACTGGTCCTT[C>T]CCCCATTCTCCCAGGCTCAAAGGAAGAAGAAATGTTGGCCAGGAATGTAAAGAACCGTGA-3'
Protein context (NP_714544.1, residues 67-87): SSSFEPGRMG[Glu77Lys]GPVGEPPPLQ